The following is an entry in ClinVar:

ClinVar aggregate classification (germline): Likely benign. Review status: criteria provided, single submitter (1 of 4 stars). 2 submissions from 2 submitters: Likely benign (1). 1 of the submissions does not count toward it. Last evaluated 2026-07-01.

Conditions:
BRWD1-related disorder. Also called: BRWD1-related condition.

Allele frequency attached by ClinVar (database versions not stated): TOPMed 0.00005; gnomAD 0.00028; gnomAD exomes 0.00053; 1000 Genomes Project 0.00100; 1000 Genomes Project 30x 0.00109; ExAC 0.00128.
gnomAD v4.1: 815 of 1,613,646 alleles (0.051%); highest among the groups gnomAD compares: South Asian, 0.86%; 12 homozygotes.

Submissions (2):

CeGaT Center for Human Genetics Tuebingen
Classification: Likely benign. Last evaluated: 2026-07-01. Review status: criteria provided, single submitter. Criteria: CeGaT Center For Human Genetics Tuebingen Variant Classification Criteria Version 2. Collection method: clinical testing. Allele origin: germline. Affected: yes. Observed: 1 variant allele.
Comment: BRWD1: BP4

PreventionGenetics, part of Exact Sciences
Classification: Benign for BRWD1-related condition. Last evaluated: 2019-04-10. Review status: no assertion criteria provided. Collection method: clinical testing. Allele origin: germline. Not counted in ClinVar's aggregate classification.
Comment: This variant is classified as benign based on ACMG/AMP sequence variant interpretation guidelines (Richards et al. 2015 PMID: 25741868, with internal and published modifications).

NM_033656.4(BRWD1):c.6419T>C (p.Ile2140Thr)

Gene: BRWD1 (bromodomain and WD repeat domain containing 1; minus strand). Cytogenetic location: 21q22.2.
Variant type: single nucleotide variant.
Coding change: c.6419T>C on transcript NM_033656.4 (MANE Select); coding-DNA position 6419, T replaced by C.
Protein change: p.Ile2140Thr; replaces isoleucine 2140 with threonine.
Molecular consequence: missense variant.
Genome position (GRCh38, 1-based): chr21:39,196,650, A>G on the plus strand (T>C on the coding strand, the complement: BRWD1 is on the minus strand). VCF-style: chr21-39196650-A-G. GRCh37 (hg19) VCF-style: chr21-40568576-A-G.
Other names: c.6419T>C, p.Ile2140Thr (NM_018963.5); short protein forms I2140T.
Identifiers: ClinVar variation 3047379 (VCV003047379.3), dbSNP rs572562994, ClinGen allele CA10026320.